The following is an entry in ClinVar:

ClinVar aggregate classification (germline): Uncertain significance. Review status: criteria provided, multiple submitters, no conflicts (2 of 4 stars). 3 submissions from 3 submitters: Uncertain significance (3). Last evaluated 2025-08-07.

Conditions:
SPTBN4-related disorder. Also called: SPTBN4-related condition.
Inborn genetic diseases. Identifiers: MedGen C0950123, MeSH D030342.

Allele frequency attached by ClinVar (database versions not stated): gnomAD exomes 0.00002; gnomAD 0.00003; TOPMed 0.00003; ExAC 0.00004.
gnomAD v4.1: 36 of 1,613,958 alleles (0.0022%); highest among the groups gnomAD compares: Middle Eastern, 0.033%; 1 homozygote.

Submissions (3):

PreventionGenetics, part of Exact Sciences
Classification: Uncertain significance for SPTBN4-related condition. Last evaluated: 2025-08-07. Review status: criteria provided, single submitter. Criteria: ACMG Guidelines, 2015. Collection method: clinical testing. Allele origin: germline.
Comment: The SPTBN4 c.5827G>A variant is predicted to result in the amino acid substitution p.Asp1943Asn. To our knowledge, this variant has not been reported in the literature. This variant is reported in 0.0040% of alleles in individuals of African descent in gnomAD. At this time, the clinical significance of this variant is uncertain due to the absence of conclusive functional and genetic evidence.

Blueprint Genetics
Classification: Uncertain significance. Last evaluated: 2024-09-04. Review status: criteria provided, single submitter. Criteria: ACMG Guidelines, 2015. Collection method: clinical testing. Allele origin: germline.

Ambry Genetics
Classification: Uncertain significance for Inborn genetic diseases. Last evaluated: 2024-02-02. Review status: criteria provided, single submitter. Criteria: Ambry Variant Classification Scheme 2023. Collection method: clinical testing. Allele origin: germline.

NM_020971.3(SPTBN4):c.5827G>A (p.Asp1943Asn)

Gene: SPTBN4 (spectrin beta, non-erythrocytic 4; plus strand). Cytogenetic location: 19q13.2.
Variant type: single nucleotide variant.
Coding change: c.5827G>A on transcript NM_020971.3 (MANE Select); coding-DNA position 5827, G replaced by A.
Protein change: p.Asp1943Asn; replaces aspartic acid 1943 with asparagine.
Molecular consequence: missense variant.
Genome position (GRCh38, 1-based): chr19:40,560,315, G>A. VCF-style: chr19-40560315-G-A. GRCh37 (hg19) VCF-style: chr19-41066221-G-A.
Other names: c.1855G>A, p.Asp619Asn (NM_025213.3); short protein forms D1943N, D619N.
Identifiers: ClinVar variation 3169610 (VCV003169610.3), dbSNP rs770799293, ClinGen allele CA9446610.